The following is an entry in ClinVar:

ClinVar aggregate classification (germline): Pathogenic (1 of 4 stars; one submission).

Conditions:
Asphyxiating thoracic dystrophy 5 (SRTD5). Also called: SHORT-RIB THORACIC DYSPLASIA 5 WITHOUT POLYDACTYLY; SHORT-RIB THORACIC DYSPLASIA 5 WITH OR WITHOUT POLYDACTYLY. Identifiers: Orphanet 474, MedGen C3280598, MONDO:0013717, OMIM 614376.
Senior-Loken syndrome 8 (SLSN8). Identifiers: Orphanet 3156, MedGen C4225376, MONDO:0014579, OMIM 616307.

Allele frequency attached by ClinVar (database versions not stated): gnomAD exomes below 0.00001.
gnomAD v4.1: 1 of 1,611,586 alleles (0.000062%); highest among the groups gnomAD compares: Admixed American, 0.0017%; no homozygotes.

Submission:

Labcorp Genetics (formerly Invitae), Labcorp
Classification: Pathogenic for Senior-Loken syndrome 8; Asphyxiating thoracic dystrophy 5. Last evaluated: 2021-06-12. Review status: criteria provided, single submitter. Criteria: Invitae Variant Classification Sherloc (09022015). Collection method: clinical testing. Allele origin: germline.
Comment: This sequence change creates a premature translational stop signal (p.Cys78*) in the WDR19 gene. It is expected to result in an absent or disrupted protein product. Loss-of-function variants in WDR19 are known to be pathogenic (PMID: 22019273, 23559409, 23683095, 26275793, 27241786, 29068549). This variant is not present in population databases (ExAC no frequency). This variant has not been reported in the literature in individuals with WDR19-related conditions. For these reasons, this variant has been classified as Pathogenic.

Literature cited by the submitters: PubMed 22019273; PubMed 23559409; PubMed 23683095; PubMed 26275793; PubMed 27241786; PubMed 29068549.

NM_025132.4(WDR19):c.234C>A (p.Cys78Ter)

Gene: WDR19 (WD repeat domain 19; plus strand). Cytogenetic location: 4p14.
Variant type: single nucleotide variant.
Coding change: c.234C>A on transcript NM_025132.4 (MANE Select); coding-DNA position 234, C replaced by A.
Protein change: p.Cys78Ter; replaces cysteine 78 with a stop codon.
Molecular consequence: nonsense. On other transcripts: 5 prime UTR variant (1).
Genome position (GRCh38, 1-based): chr4:39,189,725, C>A. VCF-style: chr4-39189725-C-A. GRCh37 (hg19) VCF-style: chr4-39191345-C-A.
Other names: c.-131C>A (NM_001317924.2); short protein forms C78*.
Identifiers: ClinVar variation 1456271 (VCV001456271.6), dbSNP rs1232301082, ClinGen allele CA356631505.
Genomic context (GRCh38, chr4:39,189,725, plus strand): 5'-TGCCATGGATTGGGATAAAGATGGAGATGTCCTAGCAGTGATTGCTGAGAAATCTAGCTG[C>A]ATTTATCTTTGGGATGCCAACACAAATAAGACCAGCCAGTTAGACAATGGCATGAGGTAA-3'